The following is an entry in ClinVar:

ClinVar aggregate classification (germline): Uncertain significance (1 of 4 stars; one submission).

Conditions:
Dyskeratosis congenita. Identifiers: Orphanet 1775, MedGen C0265965, MONDO:0015780.

Submission:

Ambry Genetics
Classification: Uncertain significance for Dyskeratosis congenita. Last evaluated: 2024-08-19. Review status: criteria provided, single submitter. Criteria: Ambry Variant Classification Scheme 2023. Collection method: clinical testing. Allele origin: germline.
Comment: The p.G398W variant (also known as c.1192G>T), located in coding exon 2 of the TERT gene, results from a G to T substitution at nucleotide position 1192. The glycine at codon 398 is replaced by tryptophan, an amino acid with highly dissimilar properties. This amino acid position is conserved. In addition, the in silico prediction for this alteration is inconclusive. Based on the available evidence, the clinical significance of this variant remains unclear.

NM_198253.3(TERT):c.1192G>T (p.Gly398Trp)

Gene: TERT (telomerase reverse transcriptase; minus strand). Cytogenetic location: 5p15.33.
Variant type: single nucleotide variant.
Coding change: c.1192G>T on transcript NM_198253.3 (MANE Select); coding-DNA position 1192, G replaced by T.
Protein change: p.Gly398Trp; replaces glycine 398 with tryptophan.
Molecular consequence: missense variant. On other transcripts: non-coding transcript variant (2).
Genome position (GRCh38, 1-based): chr5:1,293,694, C>A on the plus strand (G>T on the coding strand, the complement: TERT is on the minus strand). VCF-style: chr5-1293694-C-A. GRCh37 (hg19) VCF-style: chr5-1293809-C-A.
Other names: c.1192G>T, p.Gly398Trp (NM_001193376.3); short protein forms G398W.
Identifiers: ClinVar variation 3455176 (VCV003455176.1).